The following is an entry in ClinVar:

NM_003719.5(PDE8B):c.218A>C (p.Glu73Ala)

Gene: PDE8B (phosphodiesterase 8B; plus strand). Cytogenetic location: 5q13.3.
Variant type: single nucleotide variant.
Coding change: c.218A>C on transcript NM_003719.5 (MANE Select); coding-DNA position 218, A replaced by C.
Protein change: p.Glu73Ala; replaces glutamic acid 73 with alanine.
Molecular consequence: missense variant. On other transcripts: 5 prime UTR variant (1), intron variant (13).
Genome position (GRCh38, 1-based): chr5:77,211,143, A>C. VCF-style: chr5-77211143-A-C. GRCh37 (hg19) VCF-style: chr5-76506968-A-C.
Other names: c.218A>C, p.Glu73Ala (NM_001029851.4, NM_001029852.4, NM_001029853.4 and 7 more transcripts); c.-152A>C (NM_001349753.2); c.36+30657A>C (NM_001349750.3, NM_001376069.1, NM_001376062.1 and 7 more transcripts); c.-34+1097A>C (NM_001376067.1, NM_001376075.1); c.-31+1097A>C (NM_001376068.1); short protein forms E73A.
Identifiers: ClinVar variation 1915045 (VCV001915045.5), dbSNP rs1326877938, ClinGen allele CA360327088.

ClinVar aggregate classification (germline): Uncertain significance (1 of 4 stars; one submission).

Allele frequency attached by ClinVar (database versions not stated): TOPMed below 0.00001; gnomAD 0.00001.

Submission:

Labcorp Genetics (formerly Invitae), Labcorp
Classification: Uncertain significance. Last evaluated: 2022-04-30. Review status: criteria provided, single submitter. Criteria: Invitae Variant Classification Sherloc (09022015). Collection method: clinical testing. Allele origin: germline.
Comment: In summary, the available evidence is currently insufficient to determine the role of this variant in disease. Therefore, it has been classified as a Variant of Uncertain Significance. Algorithms developed to predict the effect of missense changes on protein structure and function (SIFT, PolyPhen-2, Align-GVGD) all suggest that this variant is likely to be tolerated. This variant has not been reported in the literature in individuals affected with PDE8B-related conditions. This variant is not present in population databases (gnomAD no frequency). This sequence change replaces glutamic acid, which is acidic and polar, with alanine, which is neutral and non-polar, at codon 73 of the PDE8B protein (p.Glu73Ala).